The following is an entry in ClinVar:

ClinVar aggregate classification (germline): Conflicting classifications of pathogenicity. Review status: criteria provided, conflicting classifications (1 of 4 stars). 2 submissions from 2 submitters: Uncertain significance (1); Likely benign (1). Last evaluated 2023-12-26.

Conditions:
Infantile liver failure syndrome 2 (ILFS2). Identifiers: MedGen C3809651, MONDO:0014659, OMIM 616483.

Allele frequency attached by ClinVar (database versions not stated): gnomAD exomes below 0.00001.
gnomAD v4.1: 1 of 1,614,174 alleles (0.000062%); highest among the groups gnomAD compares: Non-Finnish European, 0.000085%; no homozygotes.

Submissions (2):

Labcorp Genetics (formerly Invitae), Labcorp
Classification: Likely benign. Last evaluated: 2023-12-26. Review status: criteria provided, single submitter. Criteria: Invitae Variant Classification Sherloc (09022015). Collection method: clinical testing. Allele origin: germline.

Baylor Genetics
Classification: Uncertain significance for Infantile liver failure syndrome 2. Last evaluated: 2018-03-21. Review status: criteria provided, single submitter. Criteria: ACMG Guidelines, 2015. Collection method: clinical testing. Allele origin: maternal. Affected: yes.
Comment: This variant was determined to be of uncertain significance according to ACMG Guidelines, 2015 [PMID:25741868].

NM_015909.4(NBAS):c.6237-10T>C

Gene: NBAS (NBAS subunit of NRZ tethering complex; minus strand). Cytogenetic location: 2p24.3.
Variant type: single nucleotide variant.
Coding change: c.6237-10T>C on transcript NM_015909.4 (MANE Select); 10 bases into the intron before coding-DNA position 6237, T replaced by C.
Molecular consequence: intron variant.
Genome position (GRCh38, 1-based): chr2:15,218,978, A>G on the plus strand (T>C on the coding strand, the complement: NBAS is on the minus strand). VCF-style: chr2-15218978-A-G. GRCh37 (hg19) VCF-style: chr2-15359102-A-G.
Identifiers: ClinVar variation 1032710 (VCV001032710.5), dbSNP rs1666790331, ClinGen allele CA2490796278.